The following is an entry in ClinVar:

ClinVar aggregate classification (germline): Benign/Likely benign. Review status: criteria provided, multiple submitters, no conflicts (2 of 4 stars). 7 submissions from 7 submitters: Benign (1); Likely benign (5). 1 of the submissions does not count toward it. Last evaluated 2025-12-29.

Conditions:
COL1A2-related disorder. Also called: COL1A2-related condition; COL1A2-Related Disorders.
Osteogenesis imperfecta type I (OI1). Also called: Lobstein's Disease; Classic Non-deforming Osteogenesis Imperfecta with Blue Sclerae; Osteogenesis imperfecta type 1; OI, TYPE I; OSTEOGENESIS IMPERFECTA TARDA; OSTEOGENESIS IMPERFECTA WITH BLUE SCLERAE. Identifiers: Orphanet 216796, Orphanet 666, MedGen C0023931, MONDO:0008146, OMIM 166200. Disease mechanism: loss of function.
Ehlers-Danlos syndrome, classic type, 1 (EDSCL1). Also called: Ehlers-Danlos syndrome, type 1; Ehlers-Danlos Syndrome, Classic Type, COL5A1-Related; EDS I; EHLERS-DANLOS SYNDROME, GRAVIS TYPE; EHLERS-DANLOS SYNDROME, SEVERE CLASSIC TYPE. Identifiers: MedGen C0268335, MONDO:0019567, OMIM 130000.
Cardiovascular phenotype. Identifiers: MedGen CN230736.

Allele frequency attached by ClinVar (database versions not stated): TOPMed 0.00019; gnomAD 0.00020 and 0.00021; gnomAD exomes 0.00027; ExAC 0.00032; 1000 Genomes Project 0.00040; ESP Exome Variant Server 0.00046; 1000 Genomes Project 30x 0.00062.
gnomAD v4.1: 339 of 1,614,130 alleles (0.021%); highest among the groups gnomAD compares: South Asian, 0.13%; 2 homozygotes.

Submissions (7):

Labcorp Genetics (formerly Invitae), Labcorp
Classification: Benign for Osteogenesis imperfecta type I; Ehlers-Danlos syndrome, classic type, 1. Last evaluated: 2025-12-29. Review status: criteria provided, single submitter. Criteria: Invitae Variant Classification Sherloc (09022015). Collection method: clinical testing. Allele origin: germline.

Women's Health and Genetics/Laboratory Corporation of America, LabCorp
Classification: Likely benign. Last evaluated: 2024-12-17. Review status: criteria provided, single submitter. Criteria: LabCorp Variant Classification Summary - May 2015. Collection method: clinical testing. Allele origin: germline.

Blueprint Genetics
Classification: Likely benign. Last evaluated: 2024-07-08. Review status: criteria provided, single submitter. Criteria: ACMG Guidelines, 2015. Collection method: clinical testing. Allele origin: germline.

GeneDx
Classification: Likely benign. Last evaluated: 2020-07-20. Review status: criteria provided, single submitter. Criteria: GeneDx Variant Classification Process June 2021. Collection method: clinical testing. Allele origin: germline. Affected: yes.

ARUP Laboratories, Molecular Genetics and Genomics, ARUP Laboratories
Classification: Likely benign. Last evaluated: 2019-10-31. Review status: criteria provided, single submitter. Criteria: ARUP Molecular Germline Variant Investigation Process. Collection method: clinical testing. Allele origin: germline.

Ambry Genetics
Classification: Likely benign for Cardiovascular phenotype. Last evaluated: 2019-08-16. Review status: criteria provided, single submitter. Criteria: Ambry Variant Classification Scheme 2023. Collection method: clinical testing. Allele origin: germline.

PreventionGenetics, part of Exact Sciences
Classification: Likely benign for COL1A2-related condition. Last evaluated: 2021-06-16. Review status: no assertion criteria provided. Collection method: clinical testing. Allele origin: germline. Not counted in ClinVar's aggregate classification.
Comment: This variant is classified as likely benign based on ACMG/AMP sequence variant interpretation guidelines (Richards et al. 2015 PMID: 25741868, with internal and published modifications).

NM_000089.4(COL1A2):c.981C>T (p.Arg327=)

Gene: COL1A2 (collagen type I alpha 2 chain; plus strand). Cytogenetic location: 7q21.3.
Variant type: single nucleotide variant.
Coding change: c.981C>T on transcript NM_000089.4 (MANE Select); coding-DNA position 981, C replaced by T.
Protein change: p.Arg327=; no amino-acid change (arginine 327 retained).
Molecular consequence: synonymous variant.
Genome position (GRCh38, 1-based): chr7:94,409,767, C>T. VCF-style: chr7-94409767-C-T. GRCh37 (hg19) VCF-style: chr7-94039079-C-T.
Identifiers: ClinVar variation 456847 (VCV000456847.26), dbSNP rs141762645, ClinGen allele CA4346901.